The following is an entry in ClinVar:

NM_001267550.2(TTN):c.3304G>A (p.Gly1102Arg)

Gene: TTN (titin; minus strand). Cytogenetic location: 2q31.2.
Variant type: single nucleotide variant.
Coding change: c.3304G>A on transcript NM_001267550.2 (MANE Select); coding-DNA position 3304, G replaced by A.
Protein change: p.Gly1102Arg; replaces glycine 1102 with arginine.
Molecular consequence: missense variant.
Genome position (GRCh38, 1-based): chr2:178,782,288, C>T on the plus strand (G>A on the coding strand, the complement: TTN is on the minus strand). VCF-style: chr2-178782288-C-T. GRCh37 (hg19) VCF-style: chr2-179647015-C-T.
Other names: c.3304G>A, p.Gly1102Arg (NM_001256850.1, NM_133378.4, NM_133379.5); c.3166G>A, p.Gly1056Arg (NM_003319.4, NM_133432.3, NM_133437.4); short protein forms G1056R, G1102R.
Identifiers: ClinVar variation 1685192 (VCV001685192.6), dbSNP rs1016142990, ClinGen allele CA60980879.
Genomic context (GRCh38, chr2:178,782,288, plus strand): 5'-GAGGAACACCAGATTTTTTCCAGTATACATGGGGCTTTGGGTTGCCGCCAACTTGGCATC[C>T]AAACACCACGCTCCCACCTTCCACCAGTTTCTGGACCACTGGTTTTGTAATAAAGTAAGG-3'
Protein context (NP_001254479.2, residues 1092-1112): KLVEGGSVVF[Gly1102Arg]CQVGGNPKPH

ClinVar aggregate classification (germline): Uncertain significance. Review status: criteria provided, multiple submitters, no conflicts (2 of 4 stars). 3 submissions from 3 submitters: Uncertain significance (3). Last evaluated 2026-06-01.

Allele frequency attached by ClinVar (database versions not stated): gnomAD exomes below 0.00001; gnomAD 0.00001.
gnomAD v4.1: 4 of 1,614,080 alleles (0.00025%); highest among the groups gnomAD compares: Admixed American, 0.005%; no homozygotes.

Submissions (3):

CeGaT Center for Human Genetics Tuebingen
Classification: Uncertain significance. Last evaluated: 2026-06-01. Review status: criteria provided, single submitter. Criteria: CeGaT Center For Human Genetics Tuebingen Variant Classification Criteria Version 2. Collection method: clinical testing. Allele origin: germline. Affected: yes. Observed: 1 variant allele.
Comment: TTN: PM2, BP4

Revvity Omics, Revvity
Classification: Uncertain significance. Last evaluated: 2022-05-19. Review status: criteria provided, single submitter. Criteria: ACMG Guidelines, 2015. Collection method: clinical testing. Allele origin: germline.

Mendelics
Classification: Uncertain significance. Last evaluated: 2022-05-04. Review status: criteria provided, single submitter. Criteria: Mendelics Assertion Criteria 2019. Collection method: clinical testing. Allele origin: germline.